The following is an entry in ClinVar:

ClinVar aggregate classification (germline): Uncertain significance. Review status: criteria provided, multiple submitters, no conflicts (2 of 4 stars). 2 submissions from 2 submitters: Uncertain significance (2). Last evaluated 2025-02-05.

Conditions:
Inborn genetic diseases. Identifiers: MedGen C0950123, MeSH D030342.

Allele frequency attached by ClinVar (database versions not stated): gnomAD exomes below 0.00001; ExAC 0.00001; gnomAD 0.00001; TOPMed 0.00001.
gnomAD v4.1: 3 of 1,600,714 alleles (0.00019%); highest among the groups gnomAD compares: African/African-American, 0.0013%; no homozygotes.

Submissions (2):

Ambry Genetics
Classification: Uncertain significance for Inborn genetic diseases. Last evaluated: 2025-02-05. Review status: criteria provided, single submitter. Criteria: Ambry Variant Classification Scheme 2023. Collection method: clinical testing. Allele origin: germline.
Comment: The p.G1261A variant (also known as c.3782G>C), located in coding exon 14 of the FANCM gene, results from a G to C substitution at nucleotide position 3782. The glycine at codon 1261 is replaced by alanine, an amino acid with similar properties. This amino acid position is conserved. In addition, this alteration is predicted to be tolerated by in silico analysis. Based on the available evidence, the clinical significance of this variant remains unclear.

GeneDx
Classification: Uncertain significance. Last evaluated: 2023-02-15. Review status: criteria provided, single submitter. Criteria: GeneDx Variant Classification Process June 2021. Collection method: clinical testing. Allele origin: germline. Affected: yes.
Comment: Not observed at significant frequency in large population cohorts (gnomAD); In silico analysis supports that this missense variant has a deleterious effect on protein structure/function; Has not been previously published as pathogenic or benign to our knowledge

NM_020937.4(FANCM):c.3782G>C (p.Gly1261Ala)

Gene: FANCM (FA complementation group M; plus strand). Cytogenetic location: 14q21.2.
Variant type: single nucleotide variant.
Coding change: c.3782G>C on transcript NM_020937.4 (MANE Select); coding-DNA position 3782, G replaced by C.
Protein change: p.Gly1261Ala; replaces glycine 1261 with alanine.
Molecular consequence: missense variant.
Genome position (GRCh38, 1-based): chr14:45,176,536, G>C. VCF-style: chr14-45176536-G-C. GRCh37 (hg19) VCF-style: chr14-45645739-G-C.
Other names: c.3704G>C, p.Gly1235Ala (NM_001308133.2); short protein forms G1235A, G1261A.
Identifiers: ClinVar variation 2576846 (VCV002576846.2), dbSNP rs760618717, ClinGen allele CA7169574.